The following is an entry in ClinVar:

ClinVar aggregate classification (germline): Uncertain significance (1 of 4 stars; one submission).

gnomAD v4.1: 1 of 1,614,028 alleles (0.000062%); highest among the groups gnomAD compares: Non-Finnish European, 0.000085%; no homozygotes.

Submission:

Ambry Genetics
Classification: Uncertain significance. Last evaluated: 2025-02-21. Review status: criteria provided, single submitter. Criteria: Ambry Variant Classification Scheme 2023. Collection method: clinical testing. Allele origin: germline.
Comment: The p.Q886L variant (also known as c.2657A>T), located in coding exon 1 of the TET2 gene, results from an A to T substitution at nucleotide position 2657. The glutamine at codon 886 is replaced by leucine, an amino acid with dissimilar properties. This amino acid position is conserved. In addition, this alteration is predicted to be tolerated by in silico analysis. Based on the available evidence, the clinical significance of this variant remains unclear.

NM_001127208.3(TET2):c.2657A>T (p.Gln886Leu)

Genes: TET2 (tet methylcytosine dioxygenase 2; plus strand), TET2-AS1 (TET2 antisense RNA 1; minus strand). Cytogenetic location: 4q24.
Variant type: single nucleotide variant.
Coding change: c.2657A>T on transcript NM_001127208.3 (MANE Select); coding-DNA position 2657, A replaced by T.
Protein change: p.Gln886Leu; replaces glutamine 886 with leucine.
Molecular consequence: missense variant.
Genome position (GRCh38, 1-based): chr4:105,236,599, A>T. VCF-style: chr4-105236599-A-T. GRCh37 (hg19) VCF-style: chr4-106157756-A-T.
Other names: c.2657A>T, p.Gln886Leu (NM_017628.4); short protein forms Q886L.
Identifiers: ClinVar variation 3806078 (VCV003806078.1).